The following is an entry in ClinVar:

NM_004370.6(COL12A1):c.3117G>A (p.Met1039Ile)

Gene: COL12A1 (collagen type XII alpha 1 chain; minus strand). Cytogenetic location: 6q13.
Variant type: single nucleotide variant.
Coding change: c.3117G>A on transcript NM_004370.6 (MANE Select); coding-DNA position 3117, G replaced by A.
Protein change: p.Met1039Ile; replaces methionine 1039 with isoleucine.
Molecular consequence: missense variant. On other transcripts: intron variant (1).
Genome position (GRCh38, 1-based): chr6:75,156,390, C>T on the plus strand (G>A on the coding strand, the complement: COL12A1 is on the minus strand). VCF-style: chr6-75156390-C-T. GRCh37 (hg19) VCF-style: chr6-75866106-C-T.
Other names: c.74-3908G>A (NM_080645.3); short protein forms M1039I.
Identifiers: ClinVar variation 1364220 (VCV001364220.8), dbSNP rs1767764943, ClinGen allele CA364754046.

ClinVar aggregate classification (germline): Uncertain significance (1 of 4 stars; one submission).

Conditions:
Ullrich congenital muscular dystrophy 2 (UCMD2). Identifiers: Orphanet 75840, MedGen C4225314, MONDO:0014654, OMIM 616470.
Bethlem myopathy 2 (BTHLM2). Identifiers: Orphanet 536516, Orphanet 610, MedGen C4225313, MONDO:0034022, OMIM 616471.

Submission:

Labcorp Genetics (formerly Invitae), Labcorp
Classification: Uncertain significance for Bethlem myopathy 2; Ullrich congenital muscular dystrophy 2. Last evaluated: 2021-09-07. Review status: criteria provided, single submitter. Criteria: Invitae Variant Classification Sherloc (09022015). Collection method: clinical testing. Allele origin: germline.
Comment: This sequence change replaces methionine with isoleucine at codon 1039 of the COL12A1 protein (p.Met1039Ile). The methionine residue is moderately conserved and there is a small physicochemical difference between methionine and isoleucine. This variant is not present in population databases (ExAC no frequency). Algorithms developed to predict the effect of missense changes on protein structure and function (SIFT, PolyPhen-2, Align-GVGD) all suggest that this variant is likely to be tolerated. In summary, the available evidence is currently insufficient to determine the role of this variant in disease. Therefore, it has been classified as a Variant of Uncertain Significance. This variant has not been reported in the literature in individuals affected with COL12A1-related conditions.